The following is an entry in ClinVar:

NM_020975.6(RET):c.2164A>G (p.Lys722Glu)

Gene: RET (ret proto-oncogene; plus strand). Cytogenetic location: 10q11.21.
Variant type: single nucleotide variant.
Coding change: c.2164A>G on transcript NM_020975.6 (MANE Select); coding-DNA position 2164, A replaced by G.
Protein change: p.Lys722Glu; replaces lysine 722 with glutamic acid.
Molecular consequence: missense variant.
Genome position (GRCh38, 1-based): chr10:43,116,611, A>G. VCF-style: chr10-43116611-A-G. GRCh37 (hg19) VCF-style: chr10-43612059-A-G.
Other names: c.2164A>G, p.Lys722Glu (NM_000323.2, NM_001406743.1, NM_001406744.1 and 4 more transcripts); c.1402A>G, p.Lys468Glu (NM_001355216.2); c.2035A>G, p.Lys679Glu (NM_001406761.1, NM_001406762.1, NM_001406764.1); c.2029A>G, p.Lys677Glu (NM_001406763.1, NM_001406765.1); c.1876A>G, p.Lys626Glu (NM_001406766.1, NM_001406767.1, NM_001406770.1); c.1900A>G, p.Lys634Glu (NM_001406768.1); c.1768A>G, p.Lys590Glu (NM_001406769.1, NM_001406772.1); c.1726A>G, p.Lys576Glu (NM_001406771.1, NM_001406773.1); and 10 more; short protein forms K468E, K722E, K392E, K679E, K239E, K287E, K327E, K378E.
Identifiers: ClinVar variation 1045058 (VCV001045058.16), dbSNP rs1262183810, ClinGen allele CA376554264.

ClinVar aggregate classification (germline): Uncertain significance. Review status: criteria provided, multiple submitters, no conflicts (2 of 4 stars). 5 submissions from 5 submitters: Uncertain significance (5). Last evaluated 2025-10-01.

Conditions:
Hereditary cancer-predisposing syndrome. Also called: Hereditary Cancer Syndrome; Tumor predisposition; Hereditary neoplastic syndrome; Neoplastic Syndromes, Hereditary. Identifiers: Orphanet 140162, MedGen C0027672, MeSH D009386, MONDO:0015356.
Hirschsprung disease, susceptibility to, 1 (HSCR1). Also called: RET-Related Hirschsprung Disease. Identifiers: Orphanet 388, MedGen C3888239, MONDO:0007723, OMIM 142623.
Multiple endocrine neoplasia, type 2 (MEN2). Identifiers: Orphanet 653, MedGen C4048306, MONDO:0019003. Disease mechanism: gain of function.

Allele frequency attached by ClinVar (database versions not stated): gnomAD exomes below 0.00001; gnomAD 0.00001; TOPMed 0.00001.
gnomAD v4.1: 2 of 1,613,914 alleles (0.00012%); highest among the groups gnomAD compares: African/African-American, 0.0013%; no homozygotes.

Submissions (5):

Labcorp Genetics (formerly Invitae), Labcorp
Classification: Uncertain significance for Multiple endocrine neoplasia, type 2. Last evaluated: 2025-10-01. Review status: criteria provided, single submitter. Criteria: Invitae Variant Classification Sherloc (09022015). Collection method: clinical testing. Allele origin: germline.
Comment: This sequence change replaces lysine, which is basic and polar, with glutamic acid, which is acidic and polar, at codon 722 of the RET protein (p.Lys722Glu). This variant is present in population databases (no rsID available, gnomAD 0.01%). This variant has not been reported in the literature in individuals affected with RET-related conditions. ClinVar contains an entry for this variant (Variation ID: 1045058). An algorithm developed to predict the effect of missense changes on protein structure and function (PolyPhen-2) suggests that this variant is likely to be tolerated. In summary, the available evidence is currently insufficient to determine the role of this variant in disease. Therefore, it has been classified as a Variant of Uncertain Significance.

Ambry Genetics
Classification: Uncertain significance for Hereditary cancer-predisposing syndrome. Last evaluated: 2024-10-27. Review status: criteria provided, single submitter. Criteria: Ambry Variant Classification Scheme 2023. Collection method: clinical testing. Allele origin: germline.
Comment: The p.K722E variant (also known as c.2164A>G), located in coding exon 12 of the RET gene, results from an A to G substitution at nucleotide position 2164. The lysine at codon 722 is replaced by glutamic acid, an amino acid with similar properties. This amino acid position is conserved. In addition, this alteration is predicted to be deleterious by in silico analysis. Since supporting evidence is limited at this time, the clinical significance of this alteration remains unclear.

All of Us Research Program, National Institutes of Health
Classification: Uncertain significance for Multiple endocrine neoplasia, type 2. Last evaluated: 2024-02-05. Review status: criteria provided, single submitter. Criteria: ACMG Guidelines, 2015. Collection method: clinical testing. Allele origin: germline. Inheritance: Autosomal dominant inheritance. Observed: 2 variant alleles, 2 heterozygotes.
Comment: This missense variant replaces lysine with glutamic acid at codon 722 of the RET protein. Computational prediction is inconclusive regarding the impact of this variant on protein structure and function (internally defined REVEL score threshold 0.5 < inconclusive < 0.7, PMID: 27666373). To our knowledge, functional studies have not been reported for this variant. This variant has not been reported in individuals affected with hereditary cancer in the literature. This variant has been identified in 1/31378 chromosomes in the general population by the Genome Aggregation Database (gnomAD). The available evidence is insufficient to determine the role of this variant in disease conclusively. Therefore, this variant is classified as a Variant of Uncertain Significance.

This study involves interpretation of variants in research participants for the purpose of population health screening. Participant phenotype was not available at the time of variant classification. Additional details can be found in publication PMID: 35346344, PMCID: PMC8962531

Baylor Genetics
Classification: Uncertain significance for Hirschsprung disease, susceptibility to, 1. Last evaluated: 2023-10-15. Review status: criteria provided, single submitter. Criteria: ACMG Guidelines, 2015. Collection method: clinical testing. Allele origin: unknown.

GeneDx
Classification: Uncertain significance. Last evaluated: 2023-06-08. Review status: criteria provided, single submitter. Criteria: GeneDx Variant Classification Process June 2021. Collection method: clinical testing. Allele origin: germline. Affected: yes.
Comment: Not observed at significant frequency in large population cohorts (gnomAD); In silico analysis supports that this missense variant does not alter protein structure/function; Has not been previously published as pathogenic or benign to our knowledge